The following is an entry in ClinVar:

NM_001378454.1(ALMS1):c.3357G>T (p.Glu1119Asp)

Gene: ALMS1 (ALMS1 centrosome and basal body associated protein; plus strand). Cytogenetic location: 2p13.1.
Variant type: single nucleotide variant.
Coding change: c.3357G>T on transcript NM_001378454.1 (MANE Select); coding-DNA position 3357, G replaced by T.
Protein change: p.Glu1119Asp; replaces glutamic acid 1119 with aspartic acid.
Molecular consequence: missense variant.
Genome position (GRCh38, 1-based): chr2:73,449,884, G>T. VCF-style: chr2-73449884-G-T. GRCh37 (hg19) VCF-style: chr2-73677011-G-T.
Other names: c.3360G>T, p.Glu1120Asp (NM_015120.4); short protein forms E1120D, E1119D.
Identifiers: ClinVar variation 1730615 (VCV001730615.2), dbSNP rs2466097892, ClinGen allele CA347275324.
Genomic context (GRCh38, chr2:73,449,884, plus strand): 5'-AAGAGAGAAGCCTGGTATTTTCTACCAACAGACCTTGCCAGAGAGTCATCTGCCTAAAGA[G>T]GCTCTGAAAATTTCAGTAGCTCCTGGACTAGCAGACCAGAAGACTGGCACACCAACTGTA-3'
Protein context (NP_001365383.1, residues 1109-1129): QTLPESHLPK[Glu1119Asp]ALKISVAPGL

ClinVar aggregate classification (germline): Uncertain significance (1 of 4 stars; one submission).

Conditions:
Cardiovascular phenotype. Identifiers: MedGen CN230736.

Submission:

Ambry Genetics
Classification: Uncertain significance for Cardiovascular phenotype. Last evaluated: 2021-08-11. Review status: criteria provided, single submitter. Criteria: Ambry Variant Classification Scheme 2023. Collection method: clinical testing. Allele origin: germline.
Comment: The p.E1120D variant (also known as c.3360G>T), located in coding exon 8 of the ALMS1 gene, results from a G to T substitution at nucleotide position 3360. The glutamic acid at codon 1120 is replaced by aspartic acid, an amino acid with highly similar properties. This amino acid position is not well conserved in available vertebrate species, and aspartic acid is the reference amino acid in other vertebrate species. In addition, this alteration is predicted to be tolerated by in silico analysis. Since supporting evidence is limited at this time, the clinical significance of this alteration remains unclear.